The following is an entry in ClinVar:

NM_057175.5(NAA15):c.405A>G (p.Glu135=)

Gene: NAA15 (N-alpha-acetyltransferase 15, NatA auxiliary subunit; plus strand). Cytogenetic location: 4q31.1.
Variant type: single nucleotide variant.
Coding change: c.405A>G on transcript NM_057175.5 (MANE Select); coding-DNA position 405, A replaced by G.
Protein change: p.Glu135=; no amino-acid change (glutamic acid 135 retained).
Molecular consequence: synonymous variant.
Genome position (GRCh38, 1-based): chr4:139,342,828, A>G. VCF-style: chr4-139342828-A-G. GRCh37 (hg19) VCF-style: chr4-140263982-A-G.
Other names: c.405A>G, p.Glu135= (NM_001410842.1).
Identifiers: ClinVar variation 3898669 (VCV003898669.7).

ClinVar aggregate classification (germline): Uncertain significance (1 of 4 stars; one submission).

Submission:

CeGaT Center for Human Genetics Tuebingen
Classification: Uncertain significance. Last evaluated: 2025-04-01. Review status: criteria provided, single submitter. Criteria: CeGaT Center For Human Genetics Tuebingen Variant Classification Criteria Version 2. Collection method: clinical testing. Allele origin: germline. Affected: yes. Observed: 1 variant allele.
Comment: NAA15: PM2:Supporting, BP4